The following is an entry in ClinVar:

NM_024649.5(BBS1):c.160-1G>A

Gene: BBS1 (Bardet-Biedl syndrome 1; plus strand). Cytogenetic location: 11q13.2.
Variant type: single nucleotide variant.
Coding change: c.160-1G>A on transcript NM_024649.5 (MANE Select); the canonical splice acceptor site of the intron before coding-DNA position 160, G replaced by A.
Molecular consequence: splice acceptor variant.
Genome position (GRCh38, 1-based): chr11:66,514,405, G>A. VCF-style: chr11-66514405-G-A. GRCh37 (hg19) VCF-style: chr11-66281876-G-A.
Identifiers: ClinVar variation 1992794 (VCV001992794.4), dbSNP rs2495736089, ClinGen allele CA381455480.

ClinVar aggregate classification (germline): Likely pathogenic (1 of 4 stars; one submission).

Conditions:
Bardet-Biedl syndrome (BBS). Identifiers: Orphanet 110, MedGen C0752166, MONDO:0015229.

Submission:

Labcorp Genetics (formerly Invitae), Labcorp
Classification: Likely pathogenic for Bardet-Biedl syndrome. Last evaluated: 2022-06-01. Review status: criteria provided, single submitter. Criteria: Invitae Variant Classification Sherloc (09022015). Collection method: clinical testing. Allele origin: germline.
Comment: In summary, the currently available evidence indicates that the variant is pathogenic, but additional data are needed to prove that conclusively. Therefore, this variant has been classified as Likely Pathogenic. Algorithms developed to predict the effect of sequence changes on RNA splicing suggest that this variant may disrupt the consensus splice site. This variant has not been reported in the literature in individuals affected with BBS1-related conditions. This variant is not present in population databases (gnomAD no frequency). This sequence change affects an acceptor splice site in intron 3 of the BBS1 gene. It is expected to disrupt RNA splicing. Variants that disrupt the donor or acceptor splice site typically lead to a loss of protein function (PMID: 16199547), and loss-of-function variants in BBS1 are known to be pathogenic (PMID: 12118255, 21520335, 27032803).

Literature cited by the submitters: PubMed 16199547; PubMed 12118255; PubMed 21520335; PubMed 27032803.